The following is an entry in ClinVar:

ClinVar aggregate classification (germline): Pathogenic. Review status: criteria provided, multiple submitters, no conflicts (2 of 4 stars). 3 submissions from 3 submitters: Pathogenic (3). Last evaluated 2025-07-16.

Conditions:
Osteogenesis imperfecta type I (OI1). Also called: Lobstein disease; OI, TYPE I; OSTEOGENESIS IMPERFECTA TARDA; OSTEOGENESIS IMPERFECTA WITH BLUE SCLERAE; Osteogenesis imperfecta type 1; Lobstein's Disease. Identifiers: Orphanet 216796, Orphanet 666, MedGen C0023931, MONDO:0008146, OMIM 166200. Disease mechanism: loss of function.
Ehlers-Danlos syndrome, classic type, 1 (EDSCL1). Also called: EDS I; EHLERS-DANLOS SYNDROME, GRAVIS TYPE; EHLERS-DANLOS SYNDROME, SEVERE CLASSIC TYPE; Ehlers-Danlos syndrome, type 1; Ehlers-Danlos Syndrome, Classic Type, COL5A1-Related. Identifiers: MedGen C0268335, MONDO:0019567, OMIM 130000.

Allele frequency attached by ClinVar (database versions not stated): gnomAD exomes below 0.00001; ExAC 0.00001.
gnomAD v4.1: 1 of 1,614,148 alleles (0.000062%); highest among the groups gnomAD compares: South Asian, 0.0011%; no homozygotes.

Submissions (3):

Clinical Biomedical Laboratory, Shriners Hospital For Children - Canada
Classification: Pathogenic for Osteogenesis imperfecta type I. Last evaluated: 2025-07-16. Review status: criteria provided, single submitter. Criteria: ACMG Guidelines, 2015. Collection method: clinical testing. Allele origin: germline. Affected: yes.
Comment: This variant is predicted to substitute a glycine residue by an aspartic acid residue. Glycine substitutions in the triple helical domain of collagen type I cause disruption in the formation of the triple helix in the collagen molecule and are a typical cause of osteogenesis imperfecta. This variant has been observed at a frequency of 1 in 251308 alleles in the gnomAD database (version 2.1.1). Prediction tools indicate that the variant is detrimental to protein function (REVEL: 0.88).

Labcorp Genetics (formerly Invitae), Labcorp
Classification: Pathogenic for Osteogenesis imperfecta type I; Ehlers-Danlos syndrome, classic type, 1. Last evaluated: 2025-05-23. Review status: criteria provided, single submitter. Criteria: Invitae Variant Classification Sherloc (09022015). Collection method: clinical testing. Allele origin: germline.
Comment: This sequence change replaces glycine, which is neutral and non-polar, with aspartic acid, which is acidic and polar, at codon 1102 of the COL1A2 protein (p.Gly1102Asp). This variant is present in population databases (rs68063264, gnomAD 0.003%). This missense change has been observed in individual(s) with autosomal dominant osteogenesis imperfecta (PMID: 30715774). ClinVar contains an entry for this variant (Variation ID: 2925415). Invitae Evidence Modeling of protein sequence and biophysical properties (such as structural, functional, and spatial information, amino acid conservation, physicochemical variation, residue mobility, and thermodynamic stability) indicates that this missense variant is expected to disrupt COL1A2 protein function with a positive predictive value of 95%. This variant disrupts the triple helix domain of COL1A2. Glycine residues within the Gly-Xaa-Yaa repeats of the triple helix domain are required for the structure and stability of fibrillar collagens (PMID: 7695699, 8218237, 19344236). In COL1A2, variants affecting these glycine residues are significantly enriched in individuals with disease (PMID: 9016532, 17078022) compared to the general population (ExAC). For these reasons, this variant has been classified as Pathogenic.

Revvity Omics, Revvity
Classification: Pathogenic. Last evaluated: 2023-12-28. Review status: criteria provided, single submitter. Criteria: ACMG Guidelines, 2015. Collection method: clinical testing. Allele origin: germline.

Literature cited by the submitters: PubMed 30715774 (cited by Labcorp Genetics (formerly Invitae), Labcorp); PubMed 7695699 (cited by Labcorp Genetics (formerly Invitae), Labcorp); PubMed 8218237 (cited by Labcorp Genetics (formerly Invitae), Labcorp); PubMed 19344236 (cited by Labcorp Genetics (formerly Invitae), Labcorp); PubMed 9016532 (cited by Labcorp Genetics (formerly Invitae), Labcorp); PubMed 17078022 (cited by Labcorp Genetics (formerly Invitae), Labcorp).

NM_000089.4(COL1A2):c.3305G>A (p.Gly1102Asp)

Gene: COL1A2 (collagen type I alpha 2 chain; plus strand). Cytogenetic location: 7q21.3.
Variant type: single nucleotide variant.
Coding change: c.3305G>A on transcript NM_000089.4 (MANE Select); coding-DNA position 3305, G replaced by A.
Protein change: p.Gly1102Asp; replaces glycine 1102 with aspartic acid.
Molecular consequence: missense variant.
Genome position (GRCh38, 1-based): chr7:94,427,664, G>A. VCF-style: chr7-94427664-G-A. GRCh37 (hg19) VCF-style: chr7-94056976-G-A.
Other names: short protein forms G1102D.
Identifiers: ClinVar variation 2925415 (VCV002925415.5), dbSNP rs68063264, ClinGen allele CA4347734.